The following is an entry in ClinVar:

ClinVar aggregate classification (germline): Uncertain significance (1 of 4 stars; one submission).

Submission:

Labcorp Genetics (formerly Invitae), Labcorp
Classification: Uncertain significance. Last evaluated: 2021-10-22. Review status: criteria provided, single submitter. Criteria: Invitae Variant Classification Sherloc (09022015). Collection method: clinical testing. Allele origin: germline.
Comment: This sequence change replaces isoleucine with methionine at codon 351 of the EFL1 protein (p.Ile351Met). The isoleucine residue is moderately conserved and there is a small physicochemical difference between isoleucine and methionine. This variant is not present in population databases (ExAC no frequency). This variant has not been reported in the literature in individuals affected with EFL1-related conditions. Algorithms developed to predict the effect of missense changes on protein structure and function are either unavailable or do not agree on the potential impact of this missense change (SIFT: "Deleterious"; PolyPhen-2: "Benign"; Align-GVGD: "Class C0"). In summary, the available evidence is currently insufficient to determine the role of this variant in disease. Therefore, it has been classified as a Variant of Uncertain Significance.

NM_024580.6(EFL1):c.1053A>G (p.Ile351Met)

Gene: EFL1 (elongation factor like GTPase 1; minus strand). Cytogenetic location: 15q25.2.
Variant type: single nucleotide variant.
Coding change: c.1053A>G on transcript NM_024580.6 (MANE Select); coding-DNA position 1053, A replaced by G.
Protein change: p.Ile351Met; replaces isoleucine 351 with methionine.
Molecular consequence: missense variant. On other transcripts: non-coding transcript variant (1).
Genome position (GRCh38, 1-based): chr15:82,228,207, T>C on the plus strand (A>G on the coding strand, the complement: EFL1 is on the minus strand). VCF-style: chr15-82228207-T-C. GRCh37 (hg19) VCF-style: chr15-82520548-T-C.
Other names: c.900A>G, p.Ile300Met (NM_001040610.3); c.264A>G, p.Ile88Met (NM_001322844.2); c.1053A>G, p.Ile351Met (NM_001322845.2); short protein forms I88M, I300M, I351M.
Identifiers: ClinVar variation 1466634 (VCV001466634.6), dbSNP rs2141312842, ClinGen allele CA393277341.